The following is an entry in ClinVar:

ClinVar aggregate classification (germline): Uncertain significance (1 of 4 stars; one submission).

Conditions:
Primary ciliary dyskinesia. Also called: Ciliary dyskinesia. Identifiers: Orphanet 244, MedGen C0008780, MONDO:0016575, HP:0012265.

Submission:

Labcorp Genetics (formerly Invitae), Labcorp
Classification: Uncertain significance for Primary ciliary dyskinesia. Last evaluated: 2023-10-16. Review status: criteria provided, single submitter. Criteria: Invitae Variant Classification Sherloc (09022015). Collection method: clinical testing. Allele origin: germline.
Comment: This variant, c.2487_2520delinsGGAGGAGGGT, is a complex sequence change that results in the deletion of 8 amino acid(s) in the RPGR (ORF15) protein (p.Glu832_Glu839del). This variant is not present in population databases (gnomAD no frequency). This variant has not been reported in the literature in individuals affected with RPGR (ORF15)-related conditions. Experimental studies and prediction algorithms are not available or were not evaluated, and the functional significance of this variant is currently unknown. In summary, the available evidence is currently insufficient to determine the role of this variant in disease. Therefore, it has been classified as a Variant of Uncertain Significance.

NM_001034853.2(RPGR):c.2487_2520delinsGGAGGAGGGT (p.Glu832_Glu839del)

Gene: RPGR (retinitis pigmentosa GTPase regulator; minus strand). Cytogenetic location: Xp11.4.
Variant type: Indel.
Coding change: c.2487_2520delinsGGAGGAGGGT on transcript NM_001034853.2 (MANE Select); coding-DNA positions 2487 to 2520, the reference bases replaced by GGAGGAGGGT.
Protein change: p.Glu832_Glu839del.
Molecular consequence: inframe deletion. On other transcripts: intron variant (8).
Genome position (GRCh38, 1-based): chrX:38,286,479-38,286,512, 34 bases replaced. GRCh37 (hg19): chrX:38,145,732-38,145,765.
Other names: c.1569+4447_1569+4480delinsGGAGGAGGGT (NM_001367249.1, NM_001367250.1); c.1902+582_1902+615delinsGGAGGAGGGT (NM_001367245.1); c.1386+4447_1386+4480delinsGGAGGAGGGT (NM_001367251.1); c.1719+582_1719+615delinsGGAGGAGGGT (NM_001367246.1); c.1572+4447_1572+4480delinsGGAGGAGGGT (NM_001367247.1); c.1905+582_1905+615delinsGGAGGAGGGT (NM_000328.3); c.1602+4447_1602+4480delinsGGAGGAGGGT (NM_001367248.1).
Identifiers: ClinVar variation 2815281 (VCV002815281.3), dbSNP rs2519790180, ClinGen allele CA2739273389.